The following is an entry in ClinVar:

ClinVar aggregate classification (germline): Likely benign (0 of 4 stars; one submission).

Conditions:
PLXNA1-related disorder. Also called: PLXNA1-related condition.

gnomAD v4.1: 10 of 1,612,944 alleles (0.00062%); highest among the groups gnomAD compares: Non-Finnish European, 0.00076%; no homozygotes.

Submission:

PreventionGenetics, part of Exact Sciences
Classification: Likely benign for PLXNA1-related condition. Last evaluated: 2023-08-16. Review status: no assertion criteria provided. Collection method: clinical testing. Allele origin: germline.
Comment: This variant is classified as likely benign based on ACMG/AMP sequence variant interpretation guidelines (Richards et al. 2015 PMID: 25741868, with internal and published modifications).

NM_032242.4(PLXNA1):c.519C>T (p.Leu173=)

Gene: PLXNA1 (plexin A1; plus strand). Cytogenetic location: 3q21.3.
Variant type: single nucleotide variant.
Coding change: c.519C>T on transcript NM_032242.4 (MANE Select); coding-DNA position 519, C replaced by T.
Protein change: p.Leu173=; no amino-acid change (leucine 173 retained).
Molecular consequence: synonymous variant.
Genome position (GRCh38, 1-based): chr3:126,989,112, C>T. VCF-style: chr3-126989112-C-T. GRCh37 (hg19) VCF-style: chr3-126707955-C-T.
Identifiers: ClinVar variation 3352240 (VCV003352240.1).